The following is an entry in ClinVar:

NM_001252024.2(TRPM1):c.3495G>A (p.Leu1165=)

Genes: TRPM1 (transient receptor potential cation channel subfamily M member 1; minus strand), TRPM1-AS1 (TRPM1 antisense RNA 1; plus strand), LOC126862088 (BRD4-independent group 4 enhancer GRCh37_chr15:31318084-31319283; plus strand). Cytogenetic location: 15q13.3.
Variant type: single nucleotide variant.
Coding change: c.3495G>A on transcript NM_001252024.2 (MANE Select); coding-DNA position 3495, G replaced by A.
Protein change: p.Leu1165=; no amino-acid change (leucine 1165 retained).
Molecular consequence: synonymous variant.
Genome position (GRCh38, 1-based): chr15:31,026,916, C>T on the plus strand (G>A on the coding strand, the complement: TRPM1 is on the minus strand). VCF-style: chr15-31026916-C-T. GRCh37 (hg19) VCF-style: chr15-31319119-C-T.
Other names: c.3546G>A (NM_001252020.1); c.3546G>A, p.Leu1182= (NM_001252020.2); c.3429G>A, p.Leu1143= (NM_002420.6).
Identifiers: ClinVar variation 939300 (VCV000939300.8), dbSNP rs201141648, ClinGen allele CA7451873.
Genomic context (GRCh38, chr15:31,026,916, plus strand): 5'-CCAATTTGAACACTATTTTGAAATCAGCCCAACTTAGAAATGAAGAGCCCTGCACATACT[C>T]AATCCACGATCCCGTTCCTCTTGGTCCCCTTCTCTCTTTTTCCTGCAGCGGCCGCTGAGA-3'
Protein context (NP_001238953.1, residues 1155-1175): EGDQEERDRG[Leu1165=]KLFLSDEELK

ClinVar aggregate classification (germline): Conflicting classifications of pathogenicity. Review status: criteria provided, conflicting classifications (1 of 4 stars). 3 submissions from 3 submitters: Uncertain significance (1); Likely benign (1). 1 of the submissions does not count toward it. Last evaluated 2024-06-19.

Conditions:
TRPM1-related disorder. Also called: TRPM1-related condition.

Allele frequency attached by ClinVar (database versions not stated): gnomAD exomes 0.00010 and 0.00018; ExAC 0.00024; gnomAD 0.00057 and 0.00061; 1000 Genomes Project 0.00060; ESP Exome Variant Server 0.00067; TOPMed 0.00072; 1000 Genomes Project 30x 0.00078.
gnomAD v4.1: 242 of 1,613,598 alleles (0.015%); highest among the groups gnomAD compares: African/African-American, 0.16%; 1 homozygote.

Submissions (3):

Blueprint Genetics
Classification: Likely benign. Last evaluated: 2024-06-19. Review status: criteria provided, single submitter. Criteria: ACMG Guidelines, 2015. Collection method: clinical testing. Allele origin: germline.

Labcorp Genetics (formerly Invitae), Labcorp
Classification: Uncertain significance. Last evaluated: 2024-01-08. Review status: criteria provided, single submitter. Criteria: Invitae Variant Classification Sherloc (09022015). Collection method: clinical testing. Allele origin: germline.
Comment: This sequence change affects codon 1143 of the TRPM1 mRNA. It is a 'silent' change, meaning that it does not change the encoded amino acid sequence of the TRPM1 protein. It affects a nucleotide within the consensus splice site. This variant is present in population databases (rs201141648, gnomAD 0.2%). This variant has not been reported in the literature in individuals affected with TRPM1-related conditions. ClinVar contains an entry for this variant (Variation ID: 939300). Variants that disrupt the consensus splice site are a relatively common cause of aberrant splicing (PMID: 17576681, 9536098). Algorithms developed to predict the effect of sequence changes on RNA splicing suggest that this variant is not likely to affect RNA splicing. In summary, the available evidence is currently insufficient to determine the role of this variant in disease. Therefore, it has been classified as a Variant of Uncertain Significance.

PreventionGenetics, part of Exact Sciences
Classification: Likely benign for TRPM1-related condition. Last evaluated: 2024-08-15. Review status: no assertion criteria provided. Collection method: clinical testing. Allele origin: germline. Not counted in ClinVar's aggregate classification.
Comment: This variant is classified as likely benign based on ACMG/AMP sequence variant interpretation guidelines (Richards et al. 2015 PMID: 25741868, with internal and published modifications).

Literature cited by the submitters: PubMed 17576681 (cited by Labcorp Genetics (formerly Invitae), Labcorp); PubMed 9536098 (cited by Labcorp Genetics (formerly Invitae), Labcorp).